The following is an entry in ClinVar:

ClinVar aggregate classification (germline): Uncertain significance (1 of 4 stars; one submission).

Submission:

Ambry Genetics
Classification: Uncertain significance. Last evaluated: 2024-06-30. Review status: criteria provided, single submitter. Criteria: Ambry Variant Classification Scheme 2023. Collection method: clinical testing. Allele origin: germline.
Comment: The p.F1060L variant (also known as c.3180C>G), located in coding exon 27 of the PRKDC gene, results from a C to G substitution at nucleotide position 3180. The phenylalanine at codon 1060 is replaced by leucine, an amino acid with highly similar properties. This amino acid position is conserved. In addition, the in silico prediction for this alteration is inconclusive. Based on the available evidence, the clinical significance of this variant remains unclear.

NM_006904.7(PRKDC):c.3180C>G (p.Phe1060Leu)

Gene: PRKDC (protein kinase, DNA-activated, catalytic subunit; minus strand). Cytogenetic location: 8q11.21.
Variant type: single nucleotide variant.
Coding change: c.3180C>G on transcript NM_006904.7 (MANE Select); coding-DNA position 3180, C replaced by G.
Protein change: p.Phe1060Leu; replaces phenylalanine 1060 with leucine.
Molecular consequence: missense variant.
Genome position (GRCh38, 1-based): chr8:47,902,658, G>C on the plus strand (C>G on the coding strand, the complement: PRKDC is on the minus strand). VCF-style: chr8-47902658-G-C. GRCh37 (hg19) VCF-style: chr8-48815218-G-C.
Other names: c.3180C>G, p.Phe1060Leu (NM_001081640.2); short protein forms F1060L.
Identifiers: ClinVar variation 3425260 (VCV003425260.1).